The following is an entry in ClinVar:

NM_001127208.3(TET2):c.1153T>A (p.Ser385Thr)

Genes: TET2 (tet methylcytosine dioxygenase 2; plus strand), TET2-AS1 (TET2 antisense RNA 1; minus strand). Cytogenetic location: 4q24.
Variant type: single nucleotide variant.
Coding change: c.1153T>A on transcript NM_001127208.3 (MANE Select); coding-DNA position 1153, T replaced by A.
Protein change: p.Ser385Thr; replaces serine 385 with threonine.
Molecular consequence: missense variant.
Genome position (GRCh38, 1-based): chr4:105,235,095, T>A. VCF-style: chr4-105235095-T-A. GRCh37 (hg19) VCF-style: chr4-106156252-T-A.
Other names: c.1153T>A, p.Ser385Thr (NM_017628.4); short protein forms S385T.
Identifiers: ClinVar variation 3806100 (VCV003806100.1).

ClinVar aggregate classification (germline): Uncertain significance (1 of 4 stars; one submission).

Submission:

Ambry Genetics
Classification: Uncertain significance. Last evaluated: 2025-03-03. Review status: criteria provided, single submitter. Criteria: Ambry Variant Classification Scheme 2023. Collection method: clinical testing. Allele origin: germline.
Comment: The p.S385T variant (also known as c.1153T>A), located in coding exon 1 of the TET2 gene, results from a T to A substitution at nucleotide position 1153. The serine at codon 385 is replaced by threonine, an amino acid with similar properties. This amino acid position is conserved. In addition, this alteration is predicted to be tolerated by in silico analysis. Based on the available evidence, the clinical significance of this variant remains unclear.